The following is an entry in ClinVar:

NM_001127464.1:c.11227C>T

Gene: ZNF469 (zinc finger protein 469; plus strand).
Variant type: single nucleotide variant.
Identifiers: ClinVar variation 4209199 (VCV004209199.1).

ClinVar aggregate classification (germline): Uncertain significance (1 of 4 stars; one submission).

Conditions:
Cardiovascular phenotype. Identifiers: MedGen CN230736.

Submission:

Ambry Genetics
Classification: Uncertain significance for Cardiovascular phenotype. Last evaluated: 2025-08-03. Review status: criteria provided, single submitter. Criteria: Ambry Variant Classification Scheme 2023. Collection method: clinical testing. Allele origin: germline.
Comment: The p.P3743S variant (also known as c.11227C>T), located in coding exon 2 of the ZNF469 gene, results from a C to T substitution at nucleotide position 11227. The proline at codon 3743 is replaced by serine, an amino acid with similar properties. This amino acid position is conserved. In addition, this alteration is predicted to be tolerated by in silico analysis. Based on the available evidence, the clinical significance of this variant remains unclear.